The following is an entry in ClinVar:

ClinVar aggregate classification (germline): Benign/Likely benign. Review status: criteria provided, multiple submitters, no conflicts (2 of 4 stars). 6 submissions from 6 submitters: Benign (4); Likely benign (1). 1 of the submissions does not count toward it. Last evaluated 2026-01-22.

Conditions:
C1QB-related disorder. Also called: C1QB-related condition.

Allele frequency attached by ClinVar (database versions not stated): gnomAD exomes 0.00050 and 0.00140; ExAC 0.00170; gnomAD 0.00522 and 0.00569; 1000 Genomes Project 0.00619; 1000 Genomes Project 30x 0.00656; ESP Exome Variant Server 0.00677; TOPMed 0.00678.
gnomAD v4.1: 1,587 of 1,614,072 alleles (0.098%); highest among the groups gnomAD compares: African/African-American, 1.8%; 12 homozygotes.

Submissions (6):

Women's Health and Genetics/Laboratory Corporation of America, LabCorp
Classification: Benign. Last evaluated: 2026-01-22. Review status: criteria provided, single submitter. Criteria: LabCorp Variant Classification Summary - May 2015. Collection method: clinical testing. Allele origin: germline.

Labcorp Genetics (formerly Invitae), Labcorp
Classification: Benign. Last evaluated: 2026-01-12. Review status: criteria provided, single submitter. Criteria: Invitae Variant Classification Sherloc (09022015). Collection method: clinical testing. Allele origin: germline.

Mayo Clinic Laboratories, Mayo Clinic
Classification: Benign. Last evaluated: 2025-02-24. Review status: criteria provided, single submitter. Criteria: ACMG Guidelines, 2015. Collection method: clinical testing. Allele origin: germline. Observed: 2 variant alleles.
Comment: BS1, BS2, BP4, BP7

Blueprint Genetics
Classification: Likely benign. Last evaluated: 2024-07-17. Review status: criteria provided, single submitter. Criteria: ACMG Guidelines, 2015. Collection method: clinical testing. Allele origin: germline.

Breakthrough Genomics
Classification: Benign. Review status: criteria provided, single submitter. Criteria: ACMG Guidelines, 2015. Collection method: not provided. Allele origin: germline. Inheritance: Autosomal recessive inheritance. Affected: yes.

PreventionGenetics, part of Exact Sciences
Classification: Benign for C1QB-related condition. Last evaluated: 2019-06-05. Review status: no assertion criteria provided. Collection method: clinical testing. Allele origin: germline. Not counted in ClinVar's aggregate classification.
Comment: This variant is classified as benign based on ACMG/AMP sequence variant interpretation guidelines (Richards et al. 2015 PMID: 25741868, with internal and published modifications).

NM_001378156.1(C1QB):c.102C>G (p.Ala34=)

Gene: C1QB (complement C1q B chain; plus strand). Cytogenetic location: 1p36.12.
Variant type: single nucleotide variant.
Coding change: c.102C>G on transcript NM_001378156.1 (MANE Select); coding-DNA position 102, C replaced by G.
Protein change: p.Ala34=; no amino-acid change (alanine 34 retained).
Molecular consequence: synonymous variant.
Genome position (GRCh38, 1-based): chr1:22,659,564, C>G. VCF-style: chr1-22659564-C-G. GRCh37 (hg19) VCF-style: chr1-22986057-C-G.
Other names: p.Ala36=; c.108C>G (NM_000491.4); c.108C>G, p.Ala36= (NM_000491.5); c.102C>G, p.Ala34= (NM_001371184.3).
Identifiers: ClinVar variation 725822 (VCV000725822.17), dbSNP rs142278562, ClinGen allele CA678092.
Genomic context (GRCh38, chr1:22,659,564, plus strand): 5'-CCTGCTCCTGGGCCTAATCGATATCTCCCAGGCCCAGCTCAGCTGCACCGGGCCCCCAGC[C>G]ATCCCTGGCATCCCGGGTATCCCTGGGACACCTGGCCCCGATGGCCAACCTGGGACCCCA-3'
Protein context (NP_001365085.1, residues 24-44): QAQLSCTGPP[Ala34=]IPGIPGIPGT